The following is an entry in ClinVar:

NM_030930.4(UNC93B1):c.906+3G>T

Gene: UNC93B1 (unc-93B1 regulator of TLR signaling; minus strand). Cytogenetic location: 11q13.2.
Variant type: single nucleotide variant.
Coding change: c.906+3G>T on transcript NM_030930.4 (MANE Select); 3 bases into the intron after coding-DNA position 906, G replaced by T.
Molecular consequence: intron variant.
Genome position (GRCh38, 1-based): chr11:67,997,672, C>A on the plus strand (G>T on the coding strand, the complement: UNC93B1 is on the minus strand). VCF-style: chr11-67997672-C-A. GRCh37 (hg19) VCF-style: chr11-67765143-C-A.
Identifiers: ClinVar variation 1349989 (VCV001349989.6), dbSNP rs2134361983, ClinGen allele CA2573147484.

ClinVar aggregate classification (germline): Uncertain significance (1 of 4 stars; one submission).

Conditions:
Encephalopathy, acute, infection-induced (herpes-specific), susceptibility to, 1. Also called: Herpes simplex encephalitis, susceptibility to, 1. Identifiers: Orphanet 1930, MedGen C2750180, MONDO:0024563, OMIM 610551.

Allele frequency attached by ClinVar (database versions not stated): gnomAD exomes below 0.00001.
gnomAD v4.1: 2 of 1,602,716 alleles (0.00012%); highest among the groups gnomAD compares: Non-Finnish European, 0.000085%; no homozygotes.

Submission:

Labcorp Genetics (formerly Invitae), Labcorp
Classification: Uncertain significance for Encephalopathy, acute, infection-induced (herpes-specific), susceptibility to, 1. Last evaluated: 2021-11-06. Review status: criteria provided, single submitter. Criteria: Invitae Variant Classification Sherloc (09022015). Collection method: clinical testing. Allele origin: germline.
Comment: This sequence change falls in intron 7 of the UNC93B1 gene. It does not directly change the encoded amino acid sequence of the UNC93B1 protein. It affects a nucleotide within the consensus splice site. In summary, the available evidence is currently insufficient to determine the role of this variant in disease. Therefore, it has been classified as a Variant of Uncertain Significance. Variants that disrupt the consensus splice site are a relatively common cause of aberrant splicing (PMID: 17576681, 9536098). Experimental studies and prediction algorithms are not available or were not evaluated, and the effect of this variant on mRNA splicing is currently unknown. This variant has not been reported in the literature in individuals affected with UNC93B1-related conditions. This variant is not present in population databases (gnomAD no frequency).

Literature cited by the submitters: PubMed 17576681; PubMed 9536098.